The following is an entry in ClinVar:

ClinVar aggregate classification (germline): Uncertain significance (1 of 4 stars; one submission).

Allele frequency attached by ClinVar (database versions not stated): gnomAD exomes below 0.00001.
gnomAD v4.1: 1 of 1,211,687 alleles (0.000083%); highest among the groups gnomAD compares: Non-Finnish European, 0.00011%; no homozygotes.

Submission:

GeneDx
Classification: Uncertain significance. Last evaluated: 2023-01-25. Review status: criteria provided, single submitter. Criteria: GeneDx Variant Classification Process June 2021. Collection method: clinical testing. Allele origin: germline. Affected: yes.
Comment: Not observed at significant frequency in large population cohorts (gnomAD); In silico analysis supports that this missense variant has a deleterious effect on protein structure/function; Has not been previously published as pathogenic or benign to our knowledge

NM_000292.3(PHKA2):c.3471C>A (p.Ser1157Arg)

Genes: PHKA2 (phosphorylase kinase regulatory subunit alpha 2; minus strand), PHKA2-AS1 (PHKA2 antisense RNA 1; plus strand). Cytogenetic location: Xp22.13.
Variant type: single nucleotide variant.
Coding change: c.3471C>A on transcript NM_000292.3 (MANE Select); coding-DNA position 3471, C replaced by A.
Protein change: p.Ser1157Arg; replaces serine 1157 with arginine.
Molecular consequence: missense variant. On other transcripts: non-coding transcript variant (1).
Genome position (GRCh38, 1-based): chrX:18,894,270, G>T on the plus strand (C>A on the coding strand, the complement: PHKA2 is on the minus strand). VCF-style: chrX-18894270-G-T. GRCh37 (hg19) VCF-style: chrX-18912388-G-T.
Other names: short protein forms S1157R.
Identifiers: ClinVar variation 2574390 (VCV002574390.1), dbSNP rs2518517352, ClinGen allele CA412375356.